The following is an entry in ClinVar:

ClinVar aggregate classification (germline): Uncertain significance. Review status: criteria provided, multiple submitters, no conflicts (2 of 4 stars). 6 submissions from 5 submitters: Uncertain significance (5). 1 of the submissions does not count toward it. Last evaluated 2023-10-13.

Conditions:
Retinitis pigmentosa 39 (RP39). Identifiers: Orphanet 791, MedGen C3151138, MONDO:0013436, OMIM 613809.
Usher syndrome type 2A. Also called: RETINAL DISEASE IN USHER SYNDROME TYPE IIA, MODIFIER OF; USHER SYNDROME, TYPE IIA. Identifiers: Orphanet 231178, Orphanet 886, MedGen C1848634, MONDO:0010169, OMIM 276901.

Allele frequency attached by ClinVar (database versions not stated): gnomAD exomes below 0.00001 and 0.00001; ExAC 0.00001.
gnomAD v4.1: 9 of 1,614,066 alleles (0.00056%); highest among the groups gnomAD compares: Non-Finnish European, 0.00068%; no homozygotes.

Submissions (6):

Blueprint Genetics
Classification: Uncertain significance. Last evaluated: 2023-10-13. Review status: criteria provided, single submitter. Criteria: ACMG Guidelines, 2015. Collection method: clinical testing. Allele origin: germline.

Genome-Nilou Lab
Classification: Uncertain significance for Retinitis pigmentosa 39. Last evaluated: 2023-04-11. Review status: criteria provided, single submitter. Criteria: ACMG Guidelines, 2015. Collection method: clinical testing. Allele origin: germline. Affected: no.

Genome-Nilou Lab
Classification: Uncertain significance for Usher syndrome type 2A. Last evaluated: 2023-04-11. Review status: criteria provided, single submitter. Criteria: ACMG Guidelines, 2015. Collection method: clinical testing. Allele origin: germline. Affected: no.

Labcorp Genetics (formerly Invitae), Labcorp
Classification: Uncertain significance. Last evaluated: 2022-06-28. Review status: criteria provided, single submitter. Criteria: Invitae Variant Classification Sherloc (09022015). Collection method: clinical testing. Allele origin: germline.
Comment: This sequence change falls in intron 63 of the USH2A gene. It does not directly change the encoded amino acid sequence of the USH2A protein. It affects a nucleotide within the consensus splice site. This variant is present in population databases (rs760716728, gnomAD 0.0009%). This variant has not been reported in the literature in individuals affected with USH2A-related conditions. ClinVar contains an entry for this variant (Variation ID: 1026341). Variants that disrupt the consensus splice site are a relatively common cause of aberrant splicing (PMID: 17576681, 9536098). Algorithms developed to predict the effect of sequence changes on RNA splicing suggest that this variant is not likely to affect RNA splicing. In summary, the available evidence is currently insufficient to determine the role of this variant in disease. Therefore, it has been classified as a Variant of Uncertain Significance.

Women's Health and Genetics/Laboratory Corporation of America, LabCorp
Classification: Uncertain significance. Last evaluated: 2022-02-23. Review status: criteria provided, single submitter. Criteria: LabCorp Variant Classification Summary - May 2015. Collection method: clinical testing. Allele origin: germline.
Comment: Variant summary: USH2A c.13811+3A>G alters a conserved nucleotide located close to a canonical splice site and therefore could affect mRNA splicing, leading to a significantly altered protein sequence. 4/4 computational tools predict no significant impact on normal splicing. However, these predictions have yet to be confirmed by functional studies. The variant allele was found at a frequency of 4e-06 in 250956 control chromosomes (gnomAD). The available data on variant occurrences in the general population are insufficient to allow any conclusion about variant significance. To our knowledge, no occurrence of c.13811+3A>G in individuals affected with Usher Syndrome and no experimental evidence demonstrating its impact on protein function have been reported. Two clinical diagnostic laboratories have submitted clinical-significance assessments for this variant to ClinVar after 2014 and classified the variant as uncertain significance. Based on the evidence outlined above, the variant was classified as uncertain significance.

Natera, Inc.
Classification: Uncertain significance for Usher syndrome type 2A. Last evaluated: 2020-10-15. Review status: no assertion criteria provided. Collection method: clinical testing. Allele origin: germline. Not counted in ClinVar's aggregate classification.

Literature cited by the submitters: PubMed 17576681 (cited by Labcorp Genetics (formerly Invitae), Labcorp); PubMed 9536098 (cited by Labcorp Genetics (formerly Invitae), Labcorp).

NM_206933.4(USH2A):c.13811+3A>G

Gene: USH2A (usherin; minus strand). Cytogenetic location: 1q41.
Variant type: single nucleotide variant.
Coding change: c.13811+3A>G on transcript NM_206933.4 (MANE Select); 3 bases into the intron after coding-DNA position 13811, A replaced by G.
Molecular consequence: intron variant.
Genome position (GRCh38, 1-based): chr1:215,674,097, T>C on the plus strand (A>G on the coding strand, the complement: USH2A is on the minus strand). VCF-style: chr1-215674097-T-C. GRCh37 (hg19) VCF-style: chr1-215847439-T-C.
Other names: c.13811+3A>G (NM_206933.2).
Identifiers: ClinVar variation 1026341 (VCV001026341.7), dbSNP rs760716728, ClinGen allele CA1393215.
Genomic context (GRCh38, chr1:215,674,097, plus strand): 5'-GGCTCAGGCAATAGAAAGGTCAGCAGTGGCTTACTCTCAGAAAACCGAGACATGGCTACC[T>C]ACCTGTGAAATGGCTTCAGCTGGTTTACTATATATGACTGCATACCAAAAGAATTATGAG-3'